The following is an entry in ClinVar:

NM_003240.5(LEFTY2):c.580del (p.Arg194fs)

Gene: LEFTY2 (left-right determination factor 2; minus strand). Cytogenetic location: 1q42.12.
Variant type: Deletion.
Coding change: c.580del on transcript NM_003240.5 (MANE Select); coding-DNA position 580, one base deleted (C; older notation c.580delC).
Protein change: p.Arg194fs; shifts the reading frame from arginine 194.
Molecular consequence: frameshift variant.
Genome position (GRCh38, 1-based): chr1:225,939,518, G deleted on the plus strand (C on the coding strand, the reverse complement: LEFTY2 is on the minus strand); the first of 4 consecutive G bases (chr1:225,939,518-225,939,521); deleting any one gives the same sequence. VCF-style (leftmost placement, unchanged base first): chr1-225939517-CG-C. GRCh37 (hg19) VCF-style: chr1-226127217-CG-C.
Other names: c.478del, p.Arg160fs (NM_001172425.3); short protein forms R160fs, R194fs.
Identifiers: ClinVar variation 1050970 (VCV001050970.8), dbSNP rs1432998403, ClinGen allele CA529463923.
Genomic context (GRCh38, chr1:225,939,517, plus strand): 5'-CCGGACGCCAGCGGGCCCAGATGCTCCCTCTGCACCGACACCTGTAGCAGCAGCGGCTGC[CG>C]GGGCCGGCTCAGCTGCTGCCAGAAGTTCACGGCCTCGGTCACGTCGAAGGCCTTCCAGCC-3'

ClinVar aggregate classification (germline): Uncertain significance. Review status: criteria provided, single submitter (1 of 4 stars). 2 submissions from 2 submitters: Uncertain significance (1). 1 of the submissions does not count toward it. Last evaluated 2020-08-23.

Conditions:
Left-right axis malformations. Identifiers: MedGen C1866091.

Submissions (2):

Labcorp Genetics (formerly Invitae), Labcorp
Classification: Uncertain significance for Left-right axis malformations. Last evaluated: 2020-08-23. Review status: criteria provided, single submitter. Criteria: Invitae Variant Classification Sherloc (09022015). Collection method: clinical testing. Allele origin: germline.
Comment: This variant has not been reported in the literature in individuals with LEFTY2-related conditions. In summary, the available evidence is currently insufficient to determine the role of this variant in disease. Therefore, it has been classified as a Variant of Uncertain Significance. This variant is not present in population databases (ExAC no frequency). This sequence change results in a premature translational stop signal in the LEFTY2 gene (p.Arg194Glyfs*64). While this is not anticipated to result in nonsense mediated decay, it is expected to disrupt the last 171 amino acids of the LEFTY2 protein.

Institute of Human Genetics, Cologne University
Classification: Uncertain significance. Last evaluated: 2024-12-02. Review status: no assertion criteria provided. Collection method: clinical testing. Allele origin: unknown. Observed: 1 variant allele, 1 heterozygote. Not counted in ClinVar's aggregate classification.
Comment: “candidate gene”: the data situation is still too limited and the clinical significance of the variant is completely unclear. ACMG criteria can not be applied since there is no convincing disease association at the moment. But this variant is a Loss-of-function variant, Carrier-frequence in gnomAD is low (1:60.000). ClinGen Curation list this gene as "disputed" for autosomal-dominant congenital heart disease. There are three probands reported in two publications (PMIDs: 10053005, 25516202). A mouse model with only a low portion of mice exhibiting cardiac anomalies (PMID: 11703930).

Literature cited by the submitters: PubMed 10053005 (cited by Institute of Human Genetics, Cologne University); PubMed 11703930 (cited by Institute of Human Genetics, Cologne University); PubMed 25516202 (cited by Institute of Human Genetics, Cologne University).